The following is an entry in ClinVar:

ClinVar aggregate classification (germline): Uncertain significance. Review status: criteria provided, multiple submitters, no conflicts (2 of 4 stars). 2 submissions from 2 submitters: Uncertain significance (2). Last evaluated 2026-01-13.

Conditions:
Familial hemophagocytic lymphohistiocytosis 5. Also called: STXBP2-Related Familial Hemophagocytic Lymphohistiocytosis (STXBP2-fHLH). Identifiers: Orphanet 540, MedGen C2751293, MONDO:0013135, OMIM 613101.

Allele frequency attached by ClinVar (database versions not stated): gnomAD exomes 0.00001 and below 0.00001; ExAC 0.00001.

Submissions (2):

Women's Health and Genetics/Laboratory Corporation of America, LabCorp
Classification: Uncertain significance. Last evaluated: 2026-01-13. Review status: criteria provided, single submitter. Criteria: LabCorp Variant Classification Summary - May 2015. Collection method: clinical testing. Allele origin: germline.
Comment: Variant summary: STXBP2 c.875G>A (p.Arg292His) results in a non-conservative amino acid change in the encoded protein sequence. Algorithms developed to predict the effect of missense changes on protein structure and function all suggest that this variant is likely to be disruptive. The variant allele was found at a frequency of 8e-06 in 251246 control chromosomes. c.875G>A has been observed in the homozygous state in at least 1 individual(s) affected with Familial Hemophagocytic Lymphohistiocytosis (Stadt_2009, Baothman_2019, Pagel_2012, Kaya_2015). These data indicate that the variant may be associated with disease. At least one publication reports experimental evidence evaluating an impact on protein function in vitro, suggesting that this variant disrupts binding with parter protein(s), however does not allow convincing conclusions about the variant effect (example, Stadt_2009). The following publications have been ascertained in the context of this evaluation (PMID: 20558610, 19804848, 33016334, 31807395, 22451424, 31865540, 24194549, 25901543, 29266534, 28757574). ClinVar contains an entry for this variant (Variation ID: 1496053). Based on the evidence outlined above, the variant was classified as VUS-possibly pathogenic.

Labcorp Genetics (formerly Invitae), Labcorp
Classification: Uncertain significance for Familial hemophagocytic lymphohistiocytosis 5. Last evaluated: 2021-11-22. Review status: criteria provided, single submitter. Criteria: Invitae Variant Classification Sherloc (09022015). Collection method: clinical testing. Allele origin: germline.
Comment: This sequence change replaces arginine, which is basic and polar, with histidine, which is basic and polar, at codon 292 of the STXBP2 protein (p.Arg292His). This variant is present in population databases (rs746897867, gnomAD 0.007%). This missense change has been observed in individual(s) with familial hemophagocytic lymphohistiocytosis (PMID: 19804848, 25901543). Algorithms developed to predict the effect of missense changes on protein structure and function are either unavailable or do not agree on the potential impact of this missense change (SIFT: "Deleterious"; PolyPhen-2: "Benign"; Align-GVGD: "Class C0"). In summary, the available evidence is currently insufficient to determine the role of this variant in disease. Therefore, it has been classified as a Variant of Uncertain Significance.

Literature cited by the submitters: PubMed 28757574 (cited by Women's Health and Genetics/Laboratory Corporation of America, LabCorp); PubMed 24194549 (cited by Women's Health and Genetics/Laboratory Corporation of America, LabCorp); PubMed 25901543 (cited by Women's Health and Genetics/Laboratory Corporation of America, LabCorp and Labcorp Genetics (formerly Invitae), Labcorp); PubMed 22451424 (cited by Women's Health and Genetics/Laboratory Corporation of America, LabCorp); PubMed 19804848 (cited by Women's Health and Genetics/Laboratory Corporation of America, LabCorp and Labcorp Genetics (formerly Invitae), Labcorp); PubMed 20558610 (cited by Women's Health and Genetics/Laboratory Corporation of America, LabCorp); PubMed 29266534 (cited by Women's Health and Genetics/Laboratory Corporation of America, LabCorp); PubMed 31865540 (cited by Women's Health and Genetics/Laboratory Corporation of America, LabCorp); PubMed 33016334 (cited by Women's Health and Genetics/Laboratory Corporation of America, LabCorp); PubMed 31807395 (cited by Women's Health and Genetics/Laboratory Corporation of America, LabCorp).

NM_006949.4(STXBP2):c.875G>A (p.Arg292His)

Gene: STXBP2 (syntaxin binding protein 2; plus strand). Cytogenetic location: 19p13.2.
Variant type: single nucleotide variant.
Coding change: c.875G>A on transcript NM_006949.4 (MANE Select); coding-DNA position 875, G replaced by A.
Protein change: p.Arg292His; replaces arginine 292 with histidine.
Molecular consequence: missense variant. On other transcripts: non-coding transcript variant (1).
Genome position (GRCh38, 1-based): chr19:7,642,509, G>A. VCF-style: chr19-7642509-G-A. GRCh37 (hg19) VCF-style: chr19-7707395-G-A.
Other names: c.866G>A, p.Arg289His (NM_001127396.3); c.908G>A, p.Arg303His (NM_001272034.2); short protein forms R303H, R289H, R292H.
Identifiers: ClinVar variation 1496053 (VCV001496053.4), dbSNP rs746897867, ClinGen allele CA9143827.